The following is an entry in ClinVar:

NM_004700.4(KCNQ4):c.677T>G (p.Leu226Arg)

Gene: KCNQ4 (potassium voltage-gated channel subfamily Q member 4; plus strand). Cytogenetic location: 1p34.2.
Variant type: single nucleotide variant.
Coding change: c.677T>G on transcript NM_004700.4 (MANE Select); coding-DNA position 677, T replaced by G.
Protein change: p.Leu226Arg; replaces leucine 226 with arginine.
Molecular consequence: missense variant.
Genome position (GRCh38, 1-based): chr1:40,818,649, T>G. VCF-style: chr1-40818649-T-G. GRCh37 (hg19) VCF-style: chr1-41284321-T-G.
Other names: c.677T>G (NM_004700.3); c.677T>G, p.Leu226Arg (NM_172163.3); short protein forms L226R.
Identifiers: ClinVar variation 2064839 (VCV002064839.7), dbSNP rs2523882413, ClinGen allele CA339894778.
Genomic context (GRCh38, chr1:40,818,649, plus strand): 5'-TGCGCTTCCTGCAGATCCTGCGCATGGTGCGCATGGACCGCCGCGGCGGCACCTGGAAGC[T>G]GCTGGGCTCAGTGGTCTACGCGCATAGCAAGGTGAGGCCTGCAAGCCGCGCGCGGAGACC-3'
Protein context (NP_004691.2, residues 216-236): RMDRRGGTWK[Leu226Arg]LGSVVYAHSK

ClinVar aggregate classification (germline): Uncertain significance. Review status: criteria provided, multiple submitters, no conflicts (2 of 4 stars). 3 submissions from 3 submitters: Uncertain significance (3). Last evaluated 2023-04-11.

Conditions:
Autosomal dominant nonsyndromic hearing loss 2A. Also called: DFNA2 Nonsyndromic Hearing Loss; Autosomal dominant nonsyndromic deafness 2A; Deafness, autosomal dominant 2A. Identifiers: Orphanet 90635, MedGen C2677637, MONDO:0010817, OMIM 600101.
Inborn genetic diseases. Identifiers: MedGen C0950123, MeSH D030342.

Submissions (3):

Genome-Nilou Lab
Classification: Uncertain significance for Autosomal dominant nonsyndromic hearing loss 2A. Last evaluated: 2023-04-11. Review status: criteria provided, single submitter. Criteria: ACMG Guidelines, 2015. Collection method: clinical testing. Allele origin: germline. Affected: no.

Ambry Genetics
Classification: Uncertain significance for Inborn genetic diseases. Last evaluated: 2023-01-23. Review status: criteria provided, single submitter. Criteria: Ambry Variant Classification Scheme 2023. Collection method: clinical testing. Allele origin: germline.
Comment: The c.677T>G (p.L226R) alteration is located in exon 4 (coding exon 4) of the KCNQ4 gene. This alteration results from a T to G substitution at nucleotide position 677, causing the leucine (L) at amino acid position 226 to be replaced by an arginine (R). This variant was not reported in population-based cohorts in the Genome Aggregation Database (gnomAD). This amino acid position is highly conserved in available vertebrate species. This missense alteration is located in a region that has a low rate of benign missense variation (Lek, 2016; Firth, 2009). This alteration is predicted to be deleterious by in silico analysis. Based on insufficient or conflicting evidence, the clinical significance of this alteration remains unclear.

Labcorp Genetics (formerly Invitae), Labcorp
Classification: Uncertain significance. Last evaluated: 2022-06-08. Review status: criteria provided, single submitter. Criteria: Invitae Variant Classification Sherloc (09022015). Collection method: clinical testing. Allele origin: germline.
Comment: In summary, the available evidence is currently insufficient to determine the role of this variant in disease. Therefore, it has been classified as a Variant of Uncertain Significance. Advanced modeling of protein sequence and biophysical properties (such as structural, functional, and spatial information, amino acid conservation, physicochemical variation, residue mobility, and thermodynamic stability) performed at Invitae indicates that this missense variant is expected to disrupt KCNQ4 protein function. This variant has not been reported in the literature in individuals affected with KCNQ4-related conditions. This variant is not present in population databases (gnomAD no frequency). This sequence change replaces leucine, which is neutral and non-polar, with arginine, which is basic and polar, at codon 226 of the KCNQ4 protein (p.Leu226Arg).